The following is an entry in ClinVar:

ClinVar aggregate classification (germline): Uncertain significance (1 of 4 stars; one submission).

Conditions:
Hereditary cancer-predisposing syndrome. Also called: Neoplastic Syndromes, Hereditary; Tumor predisposition; Hereditary Cancer Syndrome; Hereditary neoplastic syndrome. Identifiers: Orphanet 140162, MedGen C0027672, MeSH D009386, MONDO:0015356.

Submission:

Ambry Genetics
Classification: Uncertain significance for Hereditary cancer-predisposing syndrome. Last evaluated: 2025-11-30. Review status: criteria provided, single submitter. Criteria: Ambry Variant Classification Scheme 2023. Collection method: clinical testing. Allele origin: germline.
Comment: The p.L1035P variant (also known as c.3104T>C), located in coding exon 25 of the EGFR gene, results from a T to C substitution at nucleotide position 3104. The leucine at codon 1035 is replaced by proline, an amino acid with similar properties. This amino acid position is conserved. In addition, the in silico prediction for this alteration is inconclusive. Based on the available evidence, the clinical significance of this variant remains unclear.

NM_005228.5(EGFR):c.3104T>C (p.Leu1035Pro)

Gene: EGFR (epidermal growth factor receptor; plus strand). Cytogenetic location: 7p11.2.
Variant type: single nucleotide variant.
Coding change: c.3104T>C on transcript NM_005228.5 (MANE Select); coding-DNA position 3104, T replaced by C.
Protein change: p.Leu1035Pro; replaces leucine 1035 with proline.
Molecular consequence: missense variant.
Genome position (GRCh38, 1-based): chr7:55,201,345, T>C. VCF-style: chr7-55201345-T-C. GRCh37 (hg19) VCF-style: chr7-55269038-T-C.
Other names: c.2969T>C, p.Leu990Pro (NM_001346897.2, NM_001346899.2); c.3104T>C, p.Leu1035Pro (NM_001346898.2); c.2945T>C, p.Leu982Pro (NM_001346900.2); c.2303T>C, p.Leu768Pro (NM_001346941.2); short protein forms L982P, L1035P, L990P, L768P.
Identifiers: ClinVar variation 4639953 (VCV004639953.1).
Genomic context (GRCh38, chr7:55,201,345, plus strand): 5'-AGTACCTCATCCCACAGCAGGGCTTCTTCAGCAGCCCCTCCACGTCACGGACTCCCCTCC[T>C]GAGCTCTCTGGTATGAAATCTCTGTCTCTCTCTCTCTCTCAAGCTGTGTCTACTCATTTG-3'
Protein context (NP_005219.2, residues 1025-1045): SSPSTSRTPL[Leu1035Pro]SSLSATSNNS